The following is an entry in ClinVar:

NM_000234.3(LIG1):c.1922G>T (p.Arg641Leu)

Gene: LIG1 (DNA ligase 1; minus strand). Cytogenetic location: 19q13.33.
Variant type: single nucleotide variant.
Coding change: c.1922G>T on transcript NM_000234.3 (MANE Select); coding-DNA position 1922, G replaced by T.
Protein change: p.Arg641Leu; replaces arginine 641 with leucine.
Molecular consequence: missense variant. On other transcripts: non-coding transcript variant (6).
Genome position (GRCh38, 1-based): chr19:48,127,920, C>A on the plus strand (G>T on the coding strand, the complement: LIG1 is on the minus strand). VCF-style: chr19-48127920-C-A. GRCh37 (hg19) VCF-style: chr19-48631177-C-A.
Other names: R641L; c.1829G>T, p.Arg610Leu (NM_001289063.2); c.1718G>T, p.Arg573Leu (NM_001289064.2); c.1919G>T, p.Arg640Leu (NM_001320970.2); c.1832G>T, p.Arg611Leu (NM_001320971.2); short protein forms R573L, R610L, R611L, R640L.
Identifiers: ClinVar variation 1343096 (VCV001343096.4), dbSNP rs34087182, ClinGen allele CA9546643.

ClinVar aggregate classification (germline): Uncertain significance. Review status: criteria provided, single submitter (1 of 4 stars). 2 submissions from 2 submitters: Uncertain significance (1). 1 of the submissions does not count toward it. Last evaluated 2022-03-25.

Conditions:
Immunodeficiency 96 (IMD96). Identifiers: MedGen C5676930, MONDO:0030693, OMIM 619774.

Allele frequency attached by ClinVar (database versions not stated): ExAC 0.00002; gnomAD 0.00002; ESP Exome Variant Server 0.00008.
gnomAD v4.1: 94 of 1,613,528 alleles (0.0058%); highest among the groups gnomAD compares: Non-Finnish European, 0.0078%; no homozygotes.

Submissions (2):

Labcorp Genetics (formerly Invitae), Labcorp
Classification: Uncertain significance. Last evaluated: 2022-03-25. Review status: criteria provided, single submitter. Criteria: Invitae Variant Classification Sherloc (09022015). Collection method: clinical testing. Allele origin: germline.
Comment: In summary, the available evidence is currently insufficient to determine the role of this variant in disease. Therefore, it has been classified as a Variant of Uncertain Significance. Experimental studies have shown that this missense change affects LIG1 function (PMID: 30395541, 32914844, 33444456, 33600799). Algorithms developed to predict the effect of missense changes on protein structure and function (SIFT, PolyPhen-2, Align-GVGD) all suggest that this variant is likely to be disruptive. This missense change has been observed in individuals with DNA ligase I deficiency (PMID: 30395541). This variant is present in population databases (rs34087182, gnomAD 0.004%). This sequence change replaces arginine, which is basic and polar, with leucine, which is neutral and non-polar, at codon 641 of the LIG1 protein (p.Arg641Leu).

OMIM
Classification: Pathogenic for IMMUNODEFICIENCY 96. Last evaluated: 2022-03-07. Review status: no assertion criteria provided. Collection method: literature only. Allele origin: germline. Not counted in ClinVar's aggregate classification.

Literature cited by the submitters: PubMed 30395541 (cited by Labcorp Genetics (formerly Invitae), Labcorp and OMIM); PubMed 32914844 (cited by Labcorp Genetics (formerly Invitae), Labcorp); PubMed 33444456 (cited by Labcorp Genetics (formerly Invitae), Labcorp); PubMed 33600799 (cited by Labcorp Genetics (formerly Invitae), Labcorp).